The following is an entry in ClinVar:

NM_212482.4(FN1):c.3987G>T (p.Glu1329Asp)

Gene: FN1 (fibronectin 1; minus strand). Cytogenetic location: 2q35.
Variant type: single nucleotide variant.
Coding change: c.3987G>T on transcript NM_212482.4 (MANE Select); coding-DNA position 3987, G replaced by T.
Protein change: p.Glu1329Asp; replaces glutamic acid 1329 with aspartic acid.
Molecular consequence: missense variant. On other transcripts: intron variant (10).
Genome position (GRCh38, 1-based): chr2:215,393,013, C>A on the plus strand (G>T on the coding strand, the complement: FN1 is on the minus strand). VCF-style: chr2-215393013-C-A. GRCh37 (hg19) VCF-style: chr2-216257736-C-A.
Other names: c.3987G>T, p.Glu1329Asp (NM_001306129.2, NM_001306130.2, NM_001365517.2 and 3 more transcripts); c.3797-1199G>T (NM_212474.3, NM_001306132.2, NM_001365523.2 and 7 more transcripts); short protein forms E1329D.
Identifiers: ClinVar variation 2007424 (VCV002007424.4), dbSNP rs371196184, ClinGen allele CA350485073.
Genomic context (GRCh38, chr2:215,393,013, plus strand): 5'-AGGGGCACTCTCGCCGCCATTAATGAGAGTGATAACGCTGATATCATAGTCAATGCCCGG[C>A]TCCAGCCCTGTGACTGTGTAGTATCCTACTGAGGAGTCCACAAAATCTTCAAAAATAGGG-3'
Protein context (NP_997647.2, residues 1319-1339): SVGYYTVTGL[Glu1329Asp]PGIDYDISVI

ClinVar aggregate classification (germline): Uncertain significance (1 of 4 stars; one submission).

Submission:

Labcorp Genetics (formerly Invitae), Labcorp
Classification: Uncertain significance. Last evaluated: 2022-09-09. Review status: criteria provided, single submitter. Criteria: Invitae Variant Classification Sherloc (09022015). Collection method: clinical testing. Allele origin: germline.
Comment: In summary, the available evidence is currently insufficient to determine the role of this variant in disease. Therefore, it has been classified as a Variant of Uncertain Significance. Algorithms developed to predict the effect of missense changes on protein structure and function are either unavailable or do not agree on the potential impact of this missense change (SIFT: "Not Available"; PolyPhen-2: "Probably Damaging"; Align-GVGD: "Not Available"). This variant has not been reported in the literature in individuals affected with FN1-related conditions. This variant is not present in population databases (gnomAD no frequency). This sequence change replaces glutamic acid, which is acidic and polar, with aspartic acid, which is acidic and polar, at codon 1329 of the FN1 protein (p.Glu1329Asp).